The following is an entry in ClinVar:

ClinVar aggregate classification (germline): Uncertain significance. Review status: criteria provided, multiple submitters, no conflicts (2 of 4 stars). 2 submissions from 2 submitters: Uncertain significance (2). Last evaluated 2024-03-27.

Conditions:
Inborn genetic diseases. Identifiers: MedGen C0950123, MeSH D030342.
Mosaic variegated aneuploidy syndrome 1 (MVA1). Also called: Warburton-Anyane-Yeboa syndrome. Identifiers: Orphanet 1052, MedGen C1850343, MONDO:0009759, OMIM 257300.

gnomAD v4.1: 4 of 1,612,100 alleles (0.00025%); highest among the groups gnomAD compares: Non-Finnish European, 0.00034%; no homozygotes.

Submissions (2):

Ambry Genetics
Classification: Uncertain significance for Inborn genetic diseases. Last evaluated: 2024-03-27. Review status: criteria provided, single submitter. Criteria: Ambry Variant Classification Scheme 2023. Collection method: clinical testing. Allele origin: germline.
Comment: The p.I530M variant (also known as c.1590T>G), located in coding exon 13 of the BUB1B gene, results from a T to G substitution at nucleotide position 1590. The isoleucine at codon 530 is replaced by methionine, an amino acid with highly similar properties. This amino acid position is conserved. In addition, this alteration is predicted to be tolerated by in silico analysis. Since supporting evidence is limited at this time, the clinical significance of this alteration remains unclear.

Labcorp Genetics (formerly Invitae), Labcorp
Classification: Uncertain significance for Mosaic variegated aneuploidy syndrome 1. Last evaluated: 2023-06-03. Review status: criteria provided, single submitter. Criteria: Invitae Variant Classification Sherloc (09022015). Collection method: clinical testing. Allele origin: germline.
Comment: This variant has not been reported in the literature in individuals affected with BUB1B-related conditions. This variant is present in population databases (rs777968728, gnomAD 0.0009%). This sequence change replaces isoleucine, which is neutral and non-polar, with methionine, which is neutral and non-polar, at codon 530 of the BUB1B protein (p.Ile530Met). ClinVar contains an entry for this variant (Variation ID: 1775920). In summary, the available evidence is currently insufficient to determine the role of this variant in disease. Therefore, it has been classified as a Variant of Uncertain Significance. An algorithm developed to predict the effect of missense changes on protein structure and function (PolyPhen-2) suggests that this variant is likely to be disruptive.

NM_001211.6(BUB1B):c.1590T>G (p.Ile530Met)

Gene: BUB1B (BUB1 mitotic checkpoint serine/threonine kinase B; plus strand). Cytogenetic location: 15q15.1.
Variant type: single nucleotide variant.
Coding change: c.1590T>G on transcript NM_001211.6 (MANE Select); coding-DNA position 1590, T replaced by G.
Protein change: p.Ile530Met; replaces isoleucine 530 with methionine.
Molecular consequence: missense variant.
Genome position (GRCh38, 1-based): chr15:40,202,427, T>G. VCF-style: chr15-40202427-T-G. GRCh37 (hg19) VCF-style: chr15-40494628-T-G.
Other names: short protein forms I530M.
Identifiers: ClinVar variation 1775920 (VCV001775920.5), dbSNP rs777968728, ClinGen allele CA7475816.
Genomic context (GRCh38, chr15:40,202,427, plus strand): 5'-TTACTCCTAGAGTATGTATCTAGTCTCTCTTTCTCTAGGTCCCAGTGTACCTTTCTCCAT[T>G]TTTGATGAGTTTCTTCTTTCAGAAAAGAAGAATAAAAGGTACGTTGTTTTTTTGTTTTTT-3'
Protein context (NP_001202.5, residues 520-540): HSKGPSVPFS[Ile530Met]FDEFLLSEKK